The following is an entry in ClinVar:

NM_007294.4(BRCA1):c.3833del (p.Lys1278fs)

Genes: BRCA1 (BRCA1 DNA repair associated; minus strand), LOC126862571 (BRD4-independent group 4 enhancer GRCh37_chr17:41243136-41244335; plus strand). Cytogenetic location: 17q21.31.
Variant type: Deletion.
Coding change: c.3833del on transcript NM_007294.4 (MANE Select); coding-DNA position 3833, one base deleted (A; older notation c.3833delA).
Protein change: p.Lys1278fs; shifts the reading frame from lysine 1278.
Molecular consequence: frameshift variant. On other transcripts: intron variant (135).
Genome position (GRCh38, 1-based): chr17:43,091,698, T deleted on the plus strand (A on the coding strand, the reverse complement: BRCA1 is on the minus strand); the first of 3 consecutive T bases (chr17:43,091,698-43,091,700); deleting any one gives the same sequence. VCF-style (leftmost placement, unchanged base first): chr17-43091697-CT-C. GRCh37 (hg19) VCF-style: chr17-41243714-CT-C.
Other names: c.3833delA (NM_007294.3); c.3620del, p.Lys1207fs (NM_001407571.1, NM_001407853.1, NM_001407894.1 and 9 more transcripts); c.3833del, p.Lys1278fs (NM_001407581.1, NM_001407582.1, NM_001407583.1 and 30 more transcripts); c.3830del, p.Lys1277fs (NM_001407587.1, NM_001407590.1, NM_001407591.1 and 22 more transcripts); c.3824del, p.Lys1275fs (NM_001407646.1, NM_001407647.1); c.3710del, p.Lys1237fs (NM_001407648.1, NM_001407664.1, NM_001407665.1 and 19 more transcripts); c.3707del, p.Lys1236fs (NM_001407649.1, NM_001407670.1, NM_001407671.1 and 11 more transcripts); c.3755del, p.Lys1252fs (NM_001407653.1, NM_001407654.1, NM_001407655.1 and 4 more transcripts); and 43 more; short protein forms K1231fs, K1278fs, K1110fs, K1208fs, K1210fs, K1190fs, K1211fs, K1277fs.
Identifiers: ClinVar variation 431254 (VCV000431254.9), dbSNP rs1135401868, ClinGen allele CA645373171.

ClinVar aggregate classification (germline): Pathogenic. Review status: reviewed by expert panel (3 of 4 stars). 5 submissions from 5 submitters: Pathogenic (1). 4 of the submissions do not count toward it. Last evaluated 2017-12-15.

Conditions:
Hereditary cancer-predisposing syndrome. Also called: Neoplastic Syndromes, Hereditary; Hereditary neoplastic syndrome; Tumor predisposition; Hereditary Cancer Syndrome. Identifiers: Orphanet 140162, MedGen C0027672, MeSH D009386, MONDO:0015356.
Hereditary breast ovarian cancer syndrome. Also called: Hereditary breast and ovarian cancer syndrome (HBOC); BRCA1- and BRCA2-Associated Hereditary Breast and Ovarian Cancer; Hereditary breast and/or ovarian cancer syndrome; Hereditary breast and ovarian cancer syndrome; Hereditary breast and ovarian cancer; Breast and ovarian cancer. Identifiers: Orphanet 145, MedGen C0677776, MeSH D061325, MONDO:0003582. Disease mechanism: loss of function.
Malignant tumor of breast. Also called: Malignant breast neoplasm; Cancer breast. Identifiers: MedGen C0006142, MONDO:0007254. Disease mechanism: loss of function.
Breast-ovarian cancer, familial, susceptibility to, 1 (BROVCA1). Also called: BRCA1 Hereditary Breast and Ovarian Cancer; OVARIAN CANCER, SUSCEPTIBILITY TO. Identifiers: Orphanet 145, MedGen C2676676, MONDO:0011450, OMIM 604370. Disease mechanism: loss of function.

Submissions (5):

Evidence-based Network for the Interpretation of Germline Mutant Alleles (ENIGMA)
Classification: Pathogenic for Breast-ovarian cancer, familial, susceptibility to, 1. Last evaluated: 2017-12-15. Review status: reviewed by expert panel. Criteria: ENIGMA BRCA1/2 Classification Criteria (2017-06-29). Collection method: curation. Allele origin: germline. Study: ENIGMA.
Comment: Variant allele predicted to encode a truncated non-functional protein.

Quest Diagnostics Nichols Institute San Juan Capistrano
Classification: Pathogenic. Last evaluated: 2018-12-27. Review status: criteria provided, single submitter. Criteria: Quest Diagnostics criteria. Collection method: clinical testing. Allele origin: germline. Not counted in ClinVar's aggregate classification.
Comment: The variant results in a shift of the reading frame, and is therefore predicted to result in the loss of a functional protein. Found in at least one symptomatic patient, and not found in general population data.

Ambry Genetics
Classification: Pathogenic for Hereditary cancer-predisposing syndrome. Last evaluated: 2017-05-16. Review status: criteria provided, single submitter. Criteria: Ambry Variant Classification Scheme 2023. Collection method: clinical testing. Allele origin: germline. Not counted in ClinVar's aggregate classification.
Comment: The c.3833delA pathogenic mutation, located in coding exon 9 of the BRCA1 gene, results from a deletion of one nucleotide at nucleotide position 3833, causing a translational frameshift with a predicted alternate stop codon (p.K1278Rfs*29). This alteration is expected to result in loss of function by premature protein truncation or nonsense-mediated mRNA decay. As such, this alteration is interpreted as a disease-causing mutation.

Research Molecular Genetics Laboratory, Women's College Hospital, University of Toronto
Classification: Pathogenic for Hereditary breast ovarian cancer syndrome. Last evaluated: 2014-01-31. Review status: no assertion criteria provided. Collection method: research. Allele origin: germline. Affected: yes. Study: The Canadian Open Genetics Repository (COGR). Not counted in ClinVar's aggregate classification.

Department of Pathology and Laboratory Medicine, Sinai Health System
Classification: Pathogenic for Malignant tumor of breast. Review status: no assertion criteria provided. Collection method: clinical testing. Allele origin: unknown. Affected: yes. Study: The Canadian Open Genetics Repository (COGR). Not counted in ClinVar's aggregate classification.
Comment: The BRCA1 p.Lys1278ArgfsX29 variant was not identified in the literature nor was it identified in the dbSNP, NHLBI GO Exome Sequencing Project, Exome Aggregation Consortium (released March 14, 2016), Clinvitae, Fanconi Anemia Mutation (LOVD), ARUP Laboratories, COSMIC, the ClinVar, MutDB and the BIC databases. The variant was identified in GeneInsight COGR database by 2 laboratories and classified as pathogenic. The c.3833delA variant is predicted to cause a frameshift, which alters the protein's amino acid sequence beginning at codon 1278 and leads to a premature stop codon 29 codons downstream. This alteration is then predicted to result in a truncated or absent protein and loss of function. Loss of function variants of the BRCA1 gene are an established mechanism of disease in hereditary breast and ovarian cancer and is the type of variant expected to cause the disorder. In summary, based on the above information, this variant meets our laboratoryâ€šÃ„Ã´s criteria to be classified as pathogenic.

Literature cited by the submitters: PubMed 28726806 (cited by Quest Diagnostics Nichols Institute San Juan Capistrano).